The following is an entry in ClinVar:

NM_001042681.2(RERE):c.3004G>A (p.Ala1002Thr)

Gene: RERE (arginine-glutamic acid dipeptide repeats; minus strand). Cytogenetic location: 1p36.23.
Variant type: single nucleotide variant.
Coding change: c.3004G>A on transcript NM_001042681.2 (MANE Select); coding-DNA position 3004, G replaced by A.
Protein change: p.Ala1002Thr; replaces alanine 1002 with threonine.
Molecular consequence: missense variant.
Genome position (GRCh38, 1-based): chr1:8,360,503, C>T on the plus strand (G>A on the coding strand, the complement: RERE is on the minus strand). VCF-style: chr1-8360503-C-T. GRCh37 (hg19) VCF-style: chr1-8420563-C-T.
Other names: c.1342G>A, p.Ala448Thr (NM_001042682.2); c.3004G>A, p.Ala1002Thr (NM_012102.4); short protein forms A1002T, A448T.
Identifiers: ClinVar variation 1694488 (VCV001694488.32), dbSNP rs4990444, ClinGen allele CA571263.

ClinVar aggregate classification (germline): Benign/Likely benign. Review status: criteria provided, multiple submitters, no conflicts (2 of 4 stars). 2 submissions from 2 submitters: Benign (1); Likely benign (1). Last evaluated 2026-09-01.

Allele frequency attached by ClinVar (database versions not stated): 1000 Genomes Project 0.00260; 1000 Genomes Project 30x 0.00265; ESP Exome Variant Server 0.00437; TOPMed 0.00596; gnomAD exomes 0.00620 and 0.00721.
gnomAD v4.1: 9,249 of 1,283,256 alleles (0.72%); highest among the groups gnomAD compares: Middle Eastern, 0.96%; 45 homozygotes.

Submissions (2):

CeGaT Center for Human Genetics Tuebingen
Classification: Benign. Last evaluated: 2026-09-01. Review status: criteria provided, single submitter. Criteria: CeGaT Center For Human Genetics Tuebingen Variant Classification Criteria Version 2. Collection method: clinical testing. Allele origin: germline. Affected: yes. Observed: 65 variant alleles.
Comment: RERE: BS1, BS2

Blueprint Genetics
Classification: Likely benign. Last evaluated: 2024-11-22. Review status: criteria provided, single submitter. Criteria: ACMG Guidelines, 2015. Collection method: clinical testing. Allele origin: germline.